The following is an entry in ClinVar:

NM_005548.3(KARS1):c.364A>G (p.Thr122Ala)

Gene: KARS1 (lysyl-tRNA synthetase 1; minus strand). Cytogenetic location: 16q23.1.
Variant type: single nucleotide variant.
Coding change: c.364A>G on transcript NM_005548.3 (MANE Select); coding-DNA position 364, A replaced by G.
Protein change: p.Thr122Ala; replaces threonine 122 with alanine.
Molecular consequence: missense variant. On other transcripts: 5 prime UTR variant (1).
Genome position (GRCh38, 1-based): chr16:75,640,208, T>C on the plus strand (A>G on the coding strand, the complement: KARS1 is on the minus strand). VCF-style: chr16-75640208-T-C. GRCh37 (hg19) VCF-style: chr16-75674106-T-C.
Other names: c.448A>G, p.Thr150Ala (NM_001130089.2); c.-105A>G (NM_001378148.1); short protein forms T122A, T150A.
Identifiers: ClinVar variation 3370217 (VCV003370217.1).
Genomic context (GRCh38, chr16:75,640,208, plus strand): 5'-GTGGGAGTTCAGTGATTTGCCAGGGAGAGTTCCTACCTGCCACCTTTAAGGTGATGTCAG[T>C]CAGGTGATCCCCAGGCTGCAGGTGACTATATTTTTGGATGAAGTCAGTGAGTGAGATGTC-3'
Protein context (NP_005539.1, residues 112-132): YSHLQPGDHL[Thr122Ala]DITLKVAGRI

ClinVar aggregate classification (germline): Uncertain significance (1 of 4 stars; one submission).

Submission:

GeneDx
Classification: Uncertain significance. Last evaluated: 2024-01-02. Review status: criteria provided, single submitter. Criteria: GeneDx Variant Classification Process June 2021. Collection method: clinical testing. Allele origin: germline. Affected: yes.
Comment: Not observed at significant frequency in large population cohorts (gnomAD); In silico analysis supports that this missense variant does not alter protein structure/function; Has not been previously published as pathogenic or benign to our knowledge